The following is an entry in ClinVar:

ClinVar aggregate classification (germline): Conflicting classifications of pathogenicity. Review status: criteria provided, conflicting classifications (1 of 4 stars). 5 submissions from 4 submitters: Uncertain significance (2); Likely benign (2). 1 of the submissions does not count toward it. Last evaluated 2026-01-20.

Conditions:
Pseudo-Hurler polydystrophy. Also called: ML III; ML III ALPHA/BETA; Mucolipidosis III Alpha/Beta; Type III Mucolipidosis; ML IIIA; MUCOLIPIDOSIS IIIA. Identifiers: Orphanet 423461, Orphanet 577, MedGen C0033788, MONDO:0018931, OMIM 252600.
Mucolipidosis type II. Also called: ML II ALPHA/BETA; Mucolipidosis 2; ML 2; Inclusion cell disease; Leroy Disease; N-acetylglucosamine 1phosphotransferase deficiency. Identifiers: Orphanet 576, MedGen C2673377, MONDO:0009650, OMIM 252500.
GNPTAB-Related Disorders. Also called: GNPTAB-related disorder; GNPTAB-related condition. Identifiers: MedGen CN381523.

Allele frequency attached by ClinVar (database versions not stated): gnomAD 0.00003 and 0.00004; TOPMed 0.00003.

Submissions (5):

Labcorp Genetics (formerly Invitae), Labcorp
Classification: Likely benign for Pseudo-Hurler polydystrophy; Mucolipidosis type II. Last evaluated: 2026-01-20. Review status: criteria provided, single submitter. Criteria: Invitae Variant Classification Sherloc (09022015). Collection method: clinical testing. Allele origin: germline.

Blueprint Genetics
Classification: Likely benign. Last evaluated: 2023-10-19. Review status: criteria provided, single submitter. Criteria: ACMG Guidelines, 2015. Collection method: clinical testing. Allele origin: germline.

Illumina Laboratory Services, Illumina
Classification: Uncertain significance for Pseudo-Hurler polydystrophy. Last evaluated: 2018-01-12. Review status: criteria provided, single submitter. Criteria: ICSL Variant Classification Criteria 13 December 2019. Collection method: clinical testing. Allele origin: germline.

Illumina Laboratory Services, Illumina
Classification: Uncertain significance for Mucolipidosis type II. Last evaluated: 2018-01-12. Review status: criteria provided, single submitter. Criteria: ICSL Variant Classification Criteria 13 December 2019. Collection method: clinical testing. Allele origin: germline.

PreventionGenetics, part of Exact Sciences
Classification: Likely benign for GNPTAB-related condition. Last evaluated: 2019-08-28. Review status: no assertion criteria provided. Collection method: clinical testing. Allele origin: germline. Not counted in ClinVar's aggregate classification.
Comment: This variant is classified as likely benign based on ACMG/AMP sequence variant interpretation guidelines (Richards et al. 2015 PMID: 25741868, with internal and published modifications).

NM_024312.5(GNPTAB):c.1800C>T (p.Leu600=)

Gene: GNPTAB (N-acetylglucosamine-1-phosphate transferase subunits alpha and beta; minus strand). Cytogenetic location: 12q23.2.
Variant type: single nucleotide variant.
Coding change: c.1800C>T on transcript NM_024312.5 (MANE Select); coding-DNA position 1800, C replaced by T.
Protein change: p.Leu600=; no amino-acid change (leucine 600 retained).
Molecular consequence: synonymous variant.
Genome position (GRCh38, 1-based): chr12:101,765,117, G>A on the plus strand (C>T on the coding strand, the complement: GNPTAB is on the minus strand). VCF-style: chr12-101765117-G-A. GRCh37 (hg19) VCF-style: chr12-102158895-G-A.
Identifiers: ClinVar variation 723773 (VCV000723773.17), dbSNP rs534858651, ClinGen allele CA6746526.